The following is an entry in ClinVar:

NM_002303.6(LEPR):c.2674-3034G>A

Gene: LEPR (leptin receptor; plus strand). Cytogenetic location: 1p31.3.
Variant type: single nucleotide variant.
Coding change: c.2674-3034G>A on transcript NM_002303.6 (MANE Select); 3034 bases into the intron before coding-DNA position 2674, G replaced by A.
Molecular consequence: intron variant. On other transcripts: synonymous variant (2).
Genome position (GRCh38, 1-based): chr1:65,633,157, G>A. VCF-style: chr1-65633157-G-A. GRCh37 (hg19) VCF-style: chr1-66098840-G-A.
Other names: c.2679G>A, p.Thr893= (NM_001003679.3, NM_001198689.2).
Identifiers: ClinVar variation 3357163 (VCV003357163.1).
Genomic context (GRCh38, chr1:65,633,157, plus strand): 5'-TTTGTGAGTGATTTTTTATTTTGCTTTCTTATTTTGTTTTATTTTATCTAAACAGAGAAC[G>A]GACATTCTTTGAAGTCTAATCATGATCACTACAGATGAACCCAATGTGCCAACTTCCCAA-3'

ClinVar aggregate classification (germline): Likely benign (0 of 4 stars; one submission).

Conditions:
LEPR-related disorder. Also called: LEPR-related condition; LEPR-related disorders.

gnomAD v4.1: 6 of 1,591,674 alleles (0.00038%); highest among the groups gnomAD compares: South Asian, 0.0011%; no homozygotes.

Submission:

PreventionGenetics, part of Exact Sciences
Classification: Likely benign for LEPR-related condition. Last evaluated: 2022-12-07. Review status: no assertion criteria provided. Collection method: clinical testing. Allele origin: germline.
Comment: This variant is classified as likely benign based on ACMG/AMP sequence variant interpretation guidelines (Richards et al. 2015 PMID: 25741868, with internal and published modifications).